The following is an entry in ClinVar:

ClinVar aggregate classification (germline): Uncertain significance. Review status: criteria provided, multiple submitters, no conflicts (2 of 4 stars). 2 submissions from 2 submitters: Uncertain significance (2). Last evaluated 2025-08-20.

Conditions:
Hereditary spastic paraplegia 30. Identifiers: Orphanet 101010, MedGen C5235139, MONDO:0012476.
Neuropathy, hereditary sensory, type 2C. Also called: Hereditary sensory and autonomic neuropathy type IIC; KIF1A-Related HSAN2 (HSAN2C). Identifiers: Orphanet 970, MedGen C3280168, MONDO:0013634, OMIM 614213.
Intellectual disability, autosomal dominant 9 (NESCAVS). Also called: KIF1A-Related Neurodevelopmental Disorder; NESCAV SYNDROME. Identifiers: Orphanet 662367, MedGen C5393830, MONDO:0013656, OMIM 614255.

Allele frequency attached by ClinVar (database versions not stated): gnomAD exomes below 0.00001.
gnomAD v4.1: 4 of 1,613,232 alleles (0.00025%); highest among the groups gnomAD compares: South Asian, 0.0011%; no homozygotes.

Submissions (2):

Labcorp Genetics (formerly Invitae), Labcorp
Classification: Uncertain significance for Hereditary spastic paraplegia 30; Neuropathy, hereditary sensory, type 2C; Intellectual disability, autosomal dominant 9. Last evaluated: 2025-08-20. Review status: criteria provided, single submitter. Criteria: Invitae Variant Classification Sherloc (09022015). Collection method: clinical testing. Allele origin: germline.
Comment: This sequence change replaces arginine, which is basic and polar, with glutamine, which is neutral and polar, at codon 462 of the KIF1A protein (p.Arg462Gln). This variant is not present in population databases (gnomAD no frequency). This variant has not been reported in the literature in individuals affected with KIF1A-related conditions. ClinVar contains an entry for this variant (Variation ID: 932717). Invitae Evidence Modeling of protein sequence and biophysical properties (such as structural, functional, and spatial information, amino acid conservation, physicochemical variation, residue mobility, and thermodynamic stability) indicates that this missense variant is expected to disrupt KIF1A protein function with a positive predictive value of 95%. In summary, the available evidence is currently insufficient to determine the role of this variant in disease. Therefore, it has been classified as a Variant of Uncertain Significance.

CeGaT Center for Human Genetics Tuebingen
Classification: Uncertain significance. Last evaluated: 2022-10-01. Review status: criteria provided, single submitter. Criteria: CeGaT Center For Human Genetics Tuebingen Variant Classification Criteria Version 2. Collection method: clinical testing. Allele origin: germline. Affected: yes. Observed: 1 variant allele.
Comment: KIF1A: PM2, PP2

NM_001244008.2(KIF1A):c.1412G>A (p.Arg471Gln)

Gene: KIF1A (kinesin family member 1A; minus strand). Cytogenetic location: 2q37.3.
Variant type: single nucleotide variant.
Coding change: c.1412G>A on transcript NM_001244008.2 (MANE Select); coding-DNA position 1412, G replaced by A.
Protein change: p.Arg471Gln; replaces arginine 471 with glutamine.
Molecular consequence: missense variant.
Genome position (GRCh38, 1-based): chr2:240,769,636, C>T on the plus strand (G>A on the coding strand, the complement: KIF1A is on the minus strand). VCF-style: chr2-240769636-C-T. GRCh37 (hg19) VCF-style: chr2-241709053-C-T.
Other names: c.1412G>A, p.Arg471Gln (NM_001320705.2, NM_001330289.2, NM_001379638.1); c.1487G>A, p.Arg496Gln (NM_001330290.2, NM_001379631.1, NM_001379634.1 and 2 more transcripts); c.1385G>A, p.Arg462Gln (NM_001379632.1, NM_001379633.1, NM_001379636.1 and 10 more transcripts); c.1460G>A, p.Arg487Gln (NM_001379637.1, NM_001379648.1); short protein forms R471Q, R487Q, R462Q, R496Q.
Identifiers: ClinVar variation 932717 (VCV000932717.40), dbSNP rs754302454, ClinGen allele CA351329789.